The following is an entry in ClinVar:

ClinVar aggregate classification (germline): Uncertain significance. Review status: criteria provided, single submitter (1 of 4 stars). 2 submissions from 2 submitters: Uncertain significance (1). 1 of the submissions does not count toward it. Last evaluated 2019-11-05.

Allele frequency attached by ClinVar (database versions not stated): gnomAD exomes below 0.00001; TOPMed below 0.00001; gnomAD 0.00001.
gnomAD v4.1: 5 of 1,613,178 alleles (0.00031%); highest among the groups gnomAD compares: Non-Finnish European, 0.00042%; no homozygotes.

Submissions (2):

GeneDx
Classification: Uncertain significance. Last evaluated: 2019-11-05. Review status: criteria provided, single submitter. Criteria: GeneDx Variant Classification Process June 2021. Collection method: clinical testing. Allele origin: germline. Affected: yes.
Comment: Has not been previously published as pathogenic or benign to our knowledge; Not observed at a significant frequency in large population cohorts (Lek et al., 2016); In silico analysis, which includes protein predictors and evolutionary conservation, supports a deleterious effect

Department of Pathology and Laboratory Medicine, Sinai Health System
Classification: Uncertain significance. Review status: no assertion criteria provided. Collection method: clinical testing. Allele origin: unknown. Affected: yes. Study: The Canadian Open Genetics Repository (COGR). Not counted in ClinVar's aggregate classification.
Comment: The MYLK2 p.Ala265Pro variant was not identified in the literature nor was it identified in ClinVar or LOVD 3.0. The variant was identified in dbSNP (ID: rs1301751855) and Cosmic (FATHMM prediction: pathogenic; score=0.95). The variant was identified in control databases in 1 of 250320 chromosomes at a frequency of 0.000004 (Genome Aggregation Database March 6, 2019, v2.1.1). The variant was observed in the European (non-Finnish) population in 1 of 113236 chromosomes (freq: 0.000009), but was not observed in the African, Latino, Ashkenazi Jewish, East Asian, European (Finnish), Other or South Asian populations. The variant occurs outside of the splicing consensus sequence and in silico or computational prediction software programs (SpliceSiteFinder, MaxEntScan, NNSPLICE, GeneSplicer) do not predict a difference in splicing. The p.Ala265 residue is conserved across mammals and other organisms, and four out of five computational analyses (PolyPhen-2, SIFT, AlignGVGD, BLOSUM, MutationTaster) suggest that the variant may impact the protein; however, this information is not predictive enough to assume pathogenicity. In summary, based on the above information the clinical significance of this variant cannot be determined with certainty at this time. This variant is classified as a variant of uncertain significance.

NM_033118.4(MYLK2):c.793G>C (p.Ala265Pro)

Gene: MYLK2 (myosin light chain kinase 2; plus strand). Cytogenetic location: 20q11.21.
Variant type: single nucleotide variant.
Coding change: c.793G>C on transcript NM_033118.4 (MANE Select); coding-DNA position 793, G replaced by C.
Protein change: p.Ala265Pro; replaces alanine 265 with proline.
Molecular consequence: missense variant.
Genome position (GRCh38, 1-based): chr20:31,823,497, G>C. VCF-style: chr20-31823497-G-C. GRCh37 (hg19) VCF-style: chr20-30411300-G-C.
Other names: short protein forms A265P.
Identifiers: ClinVar variation 1050676 (VCV001050676.4), dbSNP rs1301751855, ClinGen allele CA408526395.